The following is an entry in ClinVar:

ClinVar aggregate classification (germline): Uncertain significance (1 of 4 stars; one submission).

Conditions:
GPBAR1-related disorder. Also called: GPBAR1-related condition.

Submission:

PreventionGenetics, part of Exact Sciences
Classification: Uncertain significance for GPBAR1-related condition. Last evaluated: 2025-05-07. Review status: criteria provided, single submitter. Criteria: ACMG Guidelines, 2015. Collection method: clinical testing. Allele origin: germline.
Comment: The GPBAR1 c.236G>A variant is predicted to result in the amino acid substitution p.Arg79His. To our knowledge, this variant has not been reported in the literature. This variant is reported in 0.0065% of alleles in individuals of African descent in gnomAD. At this time, the clinical significance of this variant is uncertain due to the absence of conclusive functional and genetic evidence.

NM_170699.3(GPBAR1):c.236G>A (p.Arg79His)

Gene: GPBAR1 (G protein-coupled bile acid receptor 1; plus strand). Cytogenetic location: 2q35.
Variant type: single nucleotide variant.
Coding change: c.236G>A on transcript NM_170699.3 (MANE Select); coding-DNA position 236, G replaced by A.
Protein change: p.Arg79His; replaces arginine 79 with histidine.
Molecular consequence: missense variant.
Genome position (GRCh38, 1-based): chr2:218,262,960, G>A. VCF-style: chr2-218262960-G-A. GRCh37 (hg19) VCF-style: chr2-219127683-G-A.
Other names: c.236G>A, p.Arg79His (NM_001077191.2, NM_001077194.2, NM_001321950.2); short protein forms R79H.
Identifiers: ClinVar variation 4990332 (VCV004990332.1).